The following is an entry in ClinVar:

ClinVar aggregate classification (germline): Pathogenic (1 of 4 stars; one submission).

Submission:

ARUP Laboratories, Molecular Genetics and Genomics, ARUP Laboratories
Classification: Pathogenic. Last evaluated: 2024-01-05. Review status: criteria provided, single submitter. Criteria: ARUP Molecular Germline Variant Investigation Process 2024. Collection method: clinical testing. Allele origin: germline.
Comment: The SPTB c.4842+1G>A variant, to our knowledge, is not reported in the medical literature or gene specific databases. This variant is also absent from the Genome Aggregation Database (v2.1.1), indicating it is not a common polymorphism. This variant disrupts the canonical splice donor site of intron 23, which is likely to negatively impact gene function. Based on available information, this variant is considered to be pathogenic.

NM_001355436.2(SPTB):c.4842+1G>A

Gene: SPTB (spectrin beta, erythrocytic; minus strand). Cytogenetic location: 14q23.3.
Variant type: single nucleotide variant.
Coding change: c.4842+1G>A on transcript NM_001355436.2 (MANE Select); the canonical splice donor site of the intron after coding-DNA position 4842, G replaced by A.
Molecular consequence: splice donor variant.
Genome position (GRCh38, 1-based): chr14:64,775,124, C>T on the plus strand (G>A on the coding strand, the complement: SPTB is on the minus strand). VCF-style: chr14-64775124-C-T. GRCh37 (hg19) VCF-style: chr14-65241842-C-T.
Other names: c.4842+1G>A (NM_001024858.4, NM_001355437.2).
Identifiers: ClinVar variation 3766922 (VCV003766922.1).
Genomic context (GRCh38, chr14:64,775,124, plus strand): 5'-CCAACCTCAACTCTTCCTCTCTGCCTGGGCACCCTGGCTGGTATCCCCTGCCCGAACAGA[C>T]CTTGGGGATCTCATCGGAGATGACGTAGAGCTCCTGCTCGCCAATCCAGGCCTCAGCCTC-3'